The following is an entry in ClinVar:

ClinVar aggregate classification (germline): Uncertain significance. Review status: criteria provided, single submitter (1 of 4 stars). 2 submissions from 2 submitters: Uncertain significance (1). 1 of the submissions does not count toward it. Last evaluated 2023-01-30.

Conditions:
Neurofibromatosis, type 1 (NF1). Also called: Peripheral type neurofibromatosis; VON RECKLINGHAUSEN DISEASE; NEUROFIBROMATOSIS, TYPE I, SOMATIC; Neurofibromatosis, type I. Identifiers: Orphanet 636, MedGen C0027831, MONDO:0018975, OMIM 162200. Disease mechanism: loss of function.

Submissions (2):

Labcorp Genetics (formerly Invitae), Labcorp
Classification: Uncertain significance for Neurofibromatosis, type 1. Last evaluated: 2023-01-30. Review status: criteria provided, single submitter. Criteria: Invitae Variant Classification Sherloc (09022015). Collection method: clinical testing. Allele origin: germline.
Comment: In summary, the available evidence is currently insufficient to determine the role of this variant in disease. Therefore, it has been classified as a Variant of Uncertain Significance. This sequence change replaces leucine, which is neutral and non-polar, with proline, which is neutral and non-polar, at codon 920 of the NF1 protein (p.Leu920Pro). This variant is not present in population databases (gnomAD no frequency). This missense change has been observed in individual(s) with NF1-related conditions (PMID: 12746402). ClinVar contains an entry for this variant (Variation ID: 68327). Advanced modeling of protein sequence and biophysical properties (such as structural, functional, and spatial information, amino acid conservation, physicochemical variation, residue mobility, and thermodynamic stability) performed at Invitae indicates that this missense variant is expected to disrupt NF1 protein function.

UniProtKB/Swiss-Prot
No classification provided. Review status: no classification provided. Collection method: not provided. Allele origin: not provided. Not counted in ClinVar's aggregate classification.

Literature cited by the submitters: PubMed 12746402 (cited by Labcorp Genetics (formerly Invitae), Labcorp).

NM_001042492.3(NF1):c.2759T>C (p.Leu920Pro)

Gene: NF1 (neurofibromin 1; plus strand). Cytogenetic location: 17q11.2.
Variant type: single nucleotide variant.
Coding change: c.2759T>C on transcript NM_001042492.3 (MANE Select); coding-DNA position 2759, T replaced by C.
Protein change: p.Leu920Pro; replaces leucine 920 with proline.
Molecular consequence: missense variant.
Genome position (GRCh38, 1-based): chr17:31,229,374, T>C. VCF-style: chr17-31229374-T-C. GRCh37 (hg19) VCF-style: chr17-29556392-T-C.
Other names: c.2759T>C, p.Leu920Pro (NM_000267.4); short protein forms L920P.
Identifiers: ClinVar variation 68327 (VCV000068327.5), dbSNP rs199474775, ClinGen allele CA219490.